The following is an entry in ClinVar:

ClinVar aggregate classification (germline): Uncertain significance (1 of 4 stars; one submission).

Conditions:
Cardiovascular phenotype. Identifiers: MedGen CN230736.

Allele frequency attached by ClinVar (database versions not stated): gnomAD exomes below 0.00001; gnomAD 0.00002.

Submission:

Ambry Genetics
Classification: Uncertain significance for Cardiovascular phenotype. Last evaluated: 2023-05-21. Review status: criteria provided, single submitter. Criteria: Ambry Variant Classification Scheme 2023. Collection method: clinical testing. Allele origin: germline.
Comment: The p.V4178G variant (also known as c.12533T>G), located in coding exon 29 of the APOB gene, results from a T to G substitution at nucleotide position 12533. The valine at codon 4178 is replaced by glycine, an amino acid with dissimilar properties. This amino acid position is conserved. In addition, this alteration is predicted to be tolerated by in silico analysis. Since supporting evidence is limited at this time, the clinical significance of this alteration remains unclear.

NM_000384.3(APOB):c.12533T>G (p.Val4178Gly)

Gene: APOB (apolipoprotein B; minus strand). Cytogenetic location: 2p24.1.
Variant type: single nucleotide variant.
Coding change: c.12533T>G on transcript NM_000384.3 (MANE Select); coding-DNA position 12533, T replaced by G.
Protein change: p.Val4178Gly; replaces valine 4178 with glycine.
Molecular consequence: missense variant.
Genome position (GRCh38, 1-based): chr2:21,002,889, A>C on the plus strand (T>G on the coding strand, the complement: APOB is on the minus strand). VCF-style: chr2-21002889-A-C. GRCh37 (hg19) VCF-style: chr2-21225761-A-C.
Other names: short protein forms V4178G.
Identifiers: ClinVar variation 2565868 (VCV002565868.2), dbSNP rs1663028563, ClinGen allele CA345971033.